The following is an entry in ClinVar:

ClinVar aggregate classification (germline): Conflicting classifications of pathogenicity. Review status: criteria provided, conflicting classifications (1 of 4 stars). 6 submissions from 6 submitters: Uncertain significance (5); Likely benign (1). Last evaluated 2025-09-20.

Conditions:
Hereditary nonpolyposis colorectal neoplasms. Identifiers: MedGen C0009405, MeSH D003123.
Hereditary cancer-predisposing syndrome. Also called: Tumor predisposition; Hereditary Cancer Syndrome; Hereditary neoplastic syndrome; Neoplastic Syndromes, Hereditary. Identifiers: Orphanet 140162, MedGen C0027672, MeSH D009386, MONDO:0015356.
Lynch syndrome. Identifiers: Orphanet 144, MedGen C4552100, MONDO:0005835. Disease mechanism: loss of function.

Allele frequency attached by ClinVar (database versions not stated): gnomAD exomes 0.00001.

Submissions (6):

Ambry Genetics
Classification: Uncertain significance for Hereditary cancer-predisposing syndrome. Last evaluated: 2025-09-20. Review status: criteria provided, single submitter. Criteria: Ambry Variant Classification Scheme 2023. Collection method: clinical testing. Allele origin: germline.
Comment: The p.S405C variant (also known as c.1214C>G), located in coding exon 4 of the MSH6 gene, results from a C to G substitution at nucleotide position 1214. The serine at codon 405 is replaced by cysteine, an amino acid with dissimilar properties. This amino acid position is not well conserved in available vertebrate species. In addition, the in silico prediction for this alteration is inconclusive. Since supporting evidence is limited at this time, the clinical significance of this alteration remains unclear.

Labcorp Genetics (formerly Invitae), Labcorp
Classification: Likely benign for Hereditary nonpolyposis colorectal neoplasms. Last evaluated: 2025-07-23. Review status: criteria provided, single submitter. Criteria: Invitae Variant Classification Sherloc (09022015). Collection method: clinical testing. Allele origin: germline.

GeneDx
Classification: Uncertain significance. Last evaluated: 2024-05-24. Review status: criteria provided, single submitter. Criteria: GeneDx Variant Classification Process June 2021. Collection method: clinical testing. Allele origin: germline. Affected: yes.
Comment: Not observed at significant frequency in large population cohorts (gnomAD); In silico analysis supports that this missense variant has a deleterious effect on protein structure/function; Has not been previously published as pathogenic or benign to our knowledge; This variant is associated with the following publications: (PMID: 27460824, 27882345, 17531815, 21120944)

All of Us Research Program, National Institutes of Health
Classification: Uncertain significance for Lynch syndrome. Last evaluated: 2024-03-05. Review status: criteria provided, single submitter. Criteria: ACMG Guidelines, 2015. Collection method: clinical testing. Allele origin: germline. Inheritance: Autosomal dominant inheritance. Observed: 2 variant alleles, 2 heterozygotes.
Comment: This study involves interpretation of variants in research participants for the purpose of population health screening. Participant phenotype was not available at the time of variant classification. Additional details can be found in publication PMID: 35346344, PMCID: PMC8962531

Color Diagnostics, LLC DBA Color Health
Classification: Uncertain significance for Hereditary cancer-predisposing syndrome. Last evaluated: 2018-11-07. Review status: criteria provided, single submitter. Criteria: ACMG Guidelines, 2015. Collection method: clinical testing. Allele origin: germline.

Women's Health and Genetics/Laboratory Corporation of America, LabCorp
Classification: Uncertain significance. Last evaluated: 2018-05-25. Review status: criteria provided, single submitter. Criteria: LabCorp Variant Classification Summary - May 2015. Collection method: clinical testing. Allele origin: germline.
Comment: Variant summary: MSH6 c.1214C>G (p.Ser405Cys) results in a non-conservative amino acid change in the encoded protein sequence. Five of five in-silico tools predict a damaging effect of the variant on protein function. The variant allele was found at a frequency of 8.1e-06 in 246082 control chromosomes. This frequency is not higher than expected for a pathogenic variant in MSH6 causing Lynch Syndrome (8.1e-06 vs 0.00014), allowing no conclusion about variant significance. c.1214C>G has been reported in the literature (Garofalo 2016), however, this report does not provide unequivocal conclusions about association of the variant with Lynch Syndrome. To our knowledge, no experimental evidence demonstrating an impact on protein function has been reported. Three clinical diagnostic laboratories have submitted clinical-significance assessments for this variant to ClinVar after 2014 and all classified the variant as uncertain significance. Based on the evidence outlined above, the variant was classified as uncertain significance.

Literature cited by the submitters: PubMed 27460824 (cited by Women's Health and Genetics/Laboratory Corporation of America, LabCorp).

NM_000179.3(MSH6):c.1214C>G (p.Ser405Cys)

Gene: MSH6 (mutS homolog 6; plus strand). Cytogenetic location: 2p16.3.
Variant type: single nucleotide variant.
Coding change: c.1214C>G on transcript NM_000179.3 (MANE Select); coding-DNA position 1214, C replaced by G.
Protein change: p.Ser405Cys; replaces serine 405 with cysteine.
Molecular consequence: missense variant.
Genome position (GRCh38, 1-based): chr2:47,799,197, C>G. VCF-style: chr2-47799197-C-G. GRCh37 (hg19) VCF-style: chr2-48026336-C-G.
Other names: p.S405C:TCT>TGT; c.824C>G, p.Ser275Cys (NM_001281492.2); c.308C>G, p.Ser103Cys (NM_001281493.2, NM_001281494.2); short protein forms S405C, S103C, S275C.
Identifiers: ClinVar variation 182621 (VCV000182621.24), dbSNP rs730881790, ClinGen allele CA008320.